The following is an entry in ClinVar:

NM_000057.4(BLM):c.3612A>G (p.Leu1204=)

Gene: BLM (BLM RecQ like helicase; plus strand). Cytogenetic location: 15q26.1.
Variant type: single nucleotide variant.
Coding change: c.3612A>G on transcript NM_000057.4 (MANE Select); coding-DNA position 3612, A replaced by G.
Protein change: p.Leu1204=; no amino-acid change (leucine 1204 retained).
Molecular consequence: synonymous variant. On other transcripts: intron variant (1).
Genome position (GRCh38, 1-based): chr15:90,804,220, A>G. VCF-style: chr15-90804220-A-G. GRCh37 (hg19) VCF-style: chr15-91347450-A-G.
Other names: c.3612A>G, p.Leu1204= (NM_001287246.2); c.2487A>G, p.Leu829= (NM_001287248.2); c.3359-4917A>G (NM_001287247.2).
Identifiers: ClinVar variation 3261044 (VCV003261044.1).

ClinVar aggregate classification (germline): Uncertain significance (1 of 4 stars; one submission).

Conditions:
Hereditary cancer-predisposing syndrome. Also called: Hereditary Cancer Syndrome; Tumor predisposition; Hereditary neoplastic syndrome; Neoplastic Syndromes, Hereditary. Identifiers: Orphanet 140162, MedGen C0027672, MeSH D009386, MONDO:0015356.

Submission:

Ambry Genetics
Classification: Uncertain significance for Hereditary cancer-predisposing syndrome. Last evaluated: 2024-06-11. Review status: criteria provided, single submitter. Criteria: Ambry Variant Classification Scheme 2023. Collection method: clinical testing. Allele origin: germline.
Comment: The c.3612A>G variant (also known as p.L1204L), located in coding exon 18 of the BLM gene, results from an A to G substitution at nucleotide position 3612. This nucleotide substitution does not change the leucine at codon 1204. This nucleotide position is not well conserved in available vertebrate species. In silico splice site analysis for this alteration is inconclusive. Based on the available evidence, the clinical significance of this variant remains unclear.